The following is an entry in ClinVar:

ClinVar aggregate classification (germline): Uncertain significance (1 of 4 stars; one submission).

Submission:

Dasa
Classification: Uncertain significance. Last evaluated: 2026-06-21. Review status: criteria provided, single submitter. Criteria: DASA Assertion Criteria. Collection method: clinical testing. Allele origin: germline.
Comment: NM_001220.5(CAMK2B):c.384C>A (p.His128Gln) is a missense variant that results in the substitution of histidine with glutamine. This variant is rare in population databases. Computational prediction algorithms are consistent with a deleterious effect. The currently available literature and clinical evidence are not sufficient to establish a definitive association between this variant and the reported condition. Therefore, this variant is classified as a variant of uncertain significance.

NM_001220.5(CAMK2B):c.384C>A (p.His128Gln)

Gene: CAMK2B (calcium/calmodulin dependent protein kinase II beta; minus strand). Cytogenetic location: 7p13.
Variant type: single nucleotide variant.
Coding change: c.384C>A on transcript NM_001220.5 (MANE Select); coding-DNA position 384, C replaced by A.
Protein change: p.His128Gln; replaces histidine 128 with glutamine.
Molecular consequence: missense variant.
Genome position (GRCh38, 1-based): chr7:44,247,150, G>T on the plus strand (C>A on the coding strand, the complement: CAMK2B is on the minus strand). VCF-style: chr7-44247150-G-T. GRCh37 (hg19) VCF-style: chr7-44286749-G-T.
Other names: c.384C>A, p.His128Gln (NM_001293170.2, NM_172078.3, NM_172079.3 and 5 more transcripts); short protein forms H128Q.
Identifiers: ClinVar variation 5020331 (VCV005020331.1).